The following is an entry in ClinVar:

NM_006279.5(ST3GAL3):c.805A>T (p.Ile269Phe)

Gene: ST3GAL3 (ST3 beta-galactoside alpha-2,3-sialyltransferase 3; plus strand). Cytogenetic location: 1p34.1.
Variant type: single nucleotide variant.
Coding change: c.805A>T on transcript NM_006279.5 (MANE Select); coding-DNA position 805, A replaced by T.
Protein change: p.Ile269Phe; replaces isoleucine 269 with phenylalanine.
Molecular consequence: missense variant. On other transcripts: non-coding transcript variant (6), intron variant (12).
Genome position (GRCh38, 1-based): chr1:43,920,464, A>T. VCF-style: chr1-43920464-A-T. GRCh37 (hg19) VCF-style: chr1-44386136-A-T.
Other names: c.712A>T, p.Ile238Phe (NM_001270460.2); c.850A>T, p.Ile284Phe (NM_001350619.2, NM_174964.4); c.805A>T, p.Ile269Phe (NM_001350620.2); c.526A>T, p.Ile176Phe (NM_001350621.2); c.1012A>T, p.Ile338Phe (NM_174963.5); c.967A>T, p.Ile323Phe (NM_174968.5); c.757A>T, p.Ile253Phe (NM_174969.4); c.919A>T, p.Ile307Phe (NM_174971.5); and 12 more; short protein forms I269F, I338F, I176F, I253F, I323F, I238F, I284F, I307F.
Identifiers: ClinVar variation 530471 (VCV000530471.7), dbSNP rs1294093559, ClinGen allele CA340031735.

ClinVar aggregate classification (germline): Uncertain significance (1 of 4 stars; one submission).

Conditions:
Developmental and epileptic encephalopathy. Identifiers: MedGen C5779964, MONDO:0100620.

Allele frequency attached by ClinVar (database versions not stated): gnomAD exomes below 0.00001 and 0.00001; TOPMed below 0.00001; gnomAD 0.00001.
gnomAD v4.1: 4 of 1,614,122 alleles (0.00025%); highest among the groups gnomAD compares: East Asian, 0.0089%; no homozygotes.

Submission:

Labcorp Genetics (formerly Invitae), Labcorp
Classification: Uncertain significance for Early-infantile DEE. Last evaluated: 2021-08-28. Review status: criteria provided, single submitter. Criteria: Invitae Variant Classification Sherloc (09022015). Collection method: clinical testing. Allele origin: germline.
Comment: This sequence change replaces isoleucine with phenylalanine at codon 269 of the ST3GAL3 protein (p.Ile269Phe). The isoleucine residue is moderately conserved and there is a small physicochemical difference between isoleucine and phenylalanine. This variant is not present in population databases (ExAC no frequency). This variant has not been reported in the literature in individuals affected with ST3GAL3-related conditions. Algorithms developed to predict the effect of missense changes on protein structure and function are either unavailable or do not agree on the potential impact of this missense change (SIFT: "Deleterious"; PolyPhen-2: "Benign"; Align-GVGD: "Class C0"). In summary, the available evidence is currently insufficient to determine the role of this variant in disease. Therefore, it has been classified as a Variant of Uncertain Significance.